The following is an entry in ClinVar:

NM_024675.4(PALB2):c.2271A>G (p.Thr757=)

Gene: PALB2 (partner and localizer of BRCA2; minus strand). Cytogenetic location: 16p12.2.
Variant type: single nucleotide variant.
Coding change: c.2271A>G on transcript NM_024675.4 (MANE Select); coding-DNA position 2271, A replaced by G.
Protein change: p.Thr757=; no amino-acid change (threonine 757 retained).
Molecular consequence: synonymous variant.
Genome position (GRCh38, 1-based): chr16:23,629,883, T>C on the plus strand (A>G on the coding strand, the complement: PALB2 is on the minus strand). VCF-style: chr16-23629883-T-C. GRCh37 (hg19) VCF-style: chr16-23641204-T-C.
Identifiers: ClinVar variation 185160 (VCV000185160.20), dbSNP rs786201971, ClinGen allele CA191190.

ClinVar aggregate classification (germline): Benign/Likely benign. Review status: criteria provided, multiple submitters, no conflicts (2 of 4 stars). 5 submissions from 5 submitters: Benign (1); Likely benign (4). Last evaluated 2025-11-25.

Conditions:
Pancreatic cancer, susceptibility to, 3. Identifiers: Orphanet 1333, MedGen C3150547, MONDO:0013236, OMIM 613348.
Fanconi anemia complementation group N. Also called: PALB2-Related Fanconi Anemia. Identifiers: Orphanet 84, MedGen C1835817, MONDO:0012565, OMIM 610832. Disease mechanism: loss of function.
Breast-ovarian cancer, familial, susceptibility to, 5 (BROVCA5). Identifiers: MedGen C5830615, MONDO:0957530, OMIM 620442.
Hereditary cancer-predisposing syndrome. Also called: Tumor predisposition; Hereditary Cancer Syndrome; Hereditary neoplastic syndrome; Neoplastic Syndromes, Hereditary. Identifiers: Orphanet 140162, MedGen C0027672, MeSH D009386, MONDO:0015356.
Familial cancer of breast. Also called: BREAST CANCER, FAMILIAL; hereditary breast carcinoma; Hereditary breast cancer. Identifiers: Orphanet 227535, MedGen C0346153, MONDO:0016419, OMIM 114480. Disease mechanism: loss of function.

Allele frequency attached by ClinVar (database versions not stated): gnomAD exomes below 0.00001; TOPMed below 0.00001.

Submissions (5):

Labcorp Genetics (formerly Invitae), Labcorp
Classification: Likely benign for Familial cancer of breast. Last evaluated: 2025-11-25. Review status: criteria provided, single submitter. Criteria: Invitae Variant Classification Sherloc (09022015). Collection method: clinical testing. Allele origin: germline.

Myriad Genetics, Inc.
Classification: Benign for Familial cancer of breast. Last evaluated: 2025-01-15. Review status: criteria provided, single submitter. Criteria: Myriad Autosomal Dominant, Autosomal Recessive and X-Linked Classification Criteria (2023). Collection method: clinical testing. Allele origin: unknown.
Comment: This variant is considered benign. This variant is a silent/synonymous amino acid change and it is not expected to impact splicing.

Ambry Genetics
Classification: Likely benign for Hereditary cancer-predisposing syndrome. Last evaluated: 2023-02-17. Review status: criteria provided, single submitter. Criteria: Ambry Variant Classification Scheme 2023. Collection method: clinical testing. Allele origin: germline.

Department of Pathology and Laboratory Medicine, Sinai Health System
Classification: Likely benign for Fanconi anemia complementation group N; Pancreatic cancer, susceptibility to, 3; Breast-ovarian cancer, familial, susceptibility to, 5. Last evaluated: 2020-01-10. Review status: criteria provided, single submitter. Criteria: ACMG Guidelines, 2015. Collection method: clinical testing. Allele origin: germline. Affected: no.

Color Diagnostics, LLC DBA Color Health
Classification: Likely benign for Hereditary cancer-predisposing syndrome. Last evaluated: 2016-09-27. Review status: criteria provided, single submitter. Criteria: ACMG Guidelines, 2015. Collection method: clinical testing. Allele origin: germline.